The following is an entry in ClinVar:

NM_004646.4(NPHS1):c.298del (p.Ala100fs)

Gene: NPHS1 (NPHS1 adhesion molecule, nephrin; minus strand). Cytogenetic location: 19q13.12.
Variant type: Deletion.
Coding change: c.298del on transcript NM_004646.4 (MANE Select); coding-DNA position 298, one base deleted (G; older notation c.298delG).
Protein change: p.Ala100fs; shifts the reading frame from alanine 100.
Molecular consequence: frameshift variant.
Genome position (GRCh38, 1-based): chr19:35,851,361, C deleted on the plus strand (G on the coding strand, the reverse complement: NPHS1 is on the minus strand); the first of 2 consecutive C bases (chr19:35,851,361-35,851,362); deleting either gives the same sequence. VCF-style (leftmost placement, unchanged base first): chr19-35851360-GC-G. GRCh37 (hg19) VCF-style: chr19-36342262-GC-G.
Other names: short protein forms A100fs.
Identifiers: ClinVar variation 1381042 (VCV001381042.7), dbSNP rs2146832020, ClinGen allele CA2573156272.

ClinVar aggregate classification (germline): Pathogenic (1 of 4 stars; one submission).

Submission:

Labcorp Genetics (formerly Invitae), Labcorp
Classification: Pathogenic. Last evaluated: 2022-04-27. Review status: criteria provided, single submitter. Criteria: Invitae Variant Classification Sherloc (09022015). Collection method: clinical testing. Allele origin: germline.
Comment: For these reasons, this variant has been classified as Pathogenic. This variant has not been reported in the literature in individuals affected with NPHS1-related conditions. This variant is not present in population databases (gnomAD no frequency). This sequence change creates a premature translational stop signal (p.Ala100Profs*28) in the NPHS1 gene. It is expected to result in an absent or disrupted protein product. Loss-of-function variants in NPHS1 are known to be pathogenic (PMID: 11317351, 11854170, 12039988).

Literature cited by the submitters: PubMed 11317351; PubMed 11854170; PubMed 12039988.